The following is an entry in ClinVar:

NM_000601.6(HGF):c.1347A>G (p.Gly449=)

Gene: HGF (hepatocyte growth factor; minus strand). Cytogenetic location: 7q21.11.
Variant type: single nucleotide variant.
Coding change: c.1347A>G on transcript NM_000601.6 (MANE Select); coding-DNA position 1347, A replaced by G.
Protein change: p.Gly449=; no amino-acid change (glycine 449 retained).
Molecular consequence: synonymous variant.
Genome position (GRCh38, 1-based): chr7:81,717,290, T>C on the plus strand (A>G on the coding strand, the complement: HGF is on the minus strand). VCF-style: chr7-81717290-T-C. GRCh37 (hg19) VCF-style: chr7-81346606-T-C.
Other names: c.1332A>G, p.Gly444= (NM_001010932.3).
Identifiers: ClinVar variation 4085832 (VCV004085832.8).

ClinVar aggregate classification (germline): Likely benign (1 of 4 stars; one submission).

Submission:

CeGaT Center for Human Genetics Tuebingen
Classification: Likely benign. Last evaluated: 2025-08-01. Review status: criteria provided, single submitter. Criteria: CeGaT Center For Human Genetics Tuebingen Variant Classification Criteria Version 2. Collection method: clinical testing. Allele origin: germline. Affected: yes. Observed: 1 variant allele.
Comment: HGF: PM2:Supporting, BP4, BP7